The following is an entry in ClinVar:

NC_000009.12:g.(?_101424833)_(101437751_?)del

Gene: ALDOB (aldolase, fructose-bisphosphate B; minus strand). Cytogenetic location: 9q31.1.
Variant type: Deletion.
Identifiers: ClinVar variation 832157 (VCV000832157.6).

ClinVar aggregate classification (germline): Pathogenic (1 of 4 stars; one submission).

Conditions:
Hereditary fructosuria. Also called: ALDOB DEFICIENCY; ALDOLASE B DEFICIENCY; FRUCTOSE-1,6-BISPHOSPHATE ALDOLASE B DEFICIENCY; FRUCTOSE-1-PHOSPHATE ALDOLASE DEFICIENCY; FRUCTOSEMIA; Fructose intolerance. Identifiers: Orphanet 469, MedGen C0016751, MONDO:0009249, OMIM 229600, HP:0005973. Disease mechanism: loss of function.

Submission:

Labcorp Genetics (formerly Invitae), Labcorp
Classification: Pathogenic for Hereditary fructosuria. Last evaluated: 2019-02-14. Review status: criteria provided, single submitter. Criteria: Invitae Variant Classification Sherloc (09022015). Collection method: clinical testing. Allele origin: germline.
Comment: For these reasons, this variant has been classified as Pathogenic. Loss-of-function variants in ALDOB are known to be pathogenic (PMID: 18541450). This variant has not been reported in the literature in individuals with ALDOB-related conditions. This variant is a gross deletion of the genomic region encompassing exons 1-8 of the ALDOB gene, which includes the initiator codon. The 5' end of this event is unknown as it extends beyond the assayed region for this gene and therefore may encompass additional genes. The 3' boundary is likely confined to intron 8 of the ALDOB gene. This is expected to result in an absent or disrupted protein product.

Literature cited by the submitters: PubMed 18541450.